The following is an entry in ClinVar:

NC_000005.9:g.(?_33986409)_(33989627_?)dup

Gene: AMACR (alpha-methylacyl-CoA racemase; minus strand). Cytogenetic location: 5p13.2.
Variant type: Duplication.
Identifiers: ClinVar variation 2425942 (VCV002425942.3).

ClinVar aggregate classification (germline): Uncertain significance (1 of 4 stars; one submission).

Conditions:
Alpha-methylacyl-CoA racemase deficiency (AMACRD). Also called: AMACR deficiency. Identifiers: Orphanet 79095, MedGen C3280428, MONDO:0013681, OMIM 614307. Disease mechanism: loss of function.

Submission:

Labcorp Genetics (formerly Invitae), Labcorp
Classification: Uncertain significance for Alpha-methylacyl-CoA racemase deficiency. Last evaluated: 2022-06-15. Review status: criteria provided, single submitter. Criteria: Invitae Variant Classification Sherloc (09022015). Collection method: clinical testing. Allele origin: germline.
Comment: This variant results in a copy number gain of the genomic region encompassing exon(s) 5 of the AMACR gene. This region includes the termination codon of the gene. This copy number gain extends beyond the assayed region for this gene and therefore may encompass additional genes. As the precise location of this event is unknown, it may be in tandem or it may be located elsewhere in the genome. This variant has not been reported in the literature in individuals affected with AMACR-related conditions. Experimental studies and prediction algorithms are not available or were not evaluated, and the functional significance of this variant is currently unknown. In summary, the available evidence is currently insufficient to determine the role of this variant in disease. Therefore, it has been classified as a Variant of Uncertain Significance.